The following is an entry in ClinVar:

NM_201384.3(PLEC):c.8284G>A (p.Glu2762Lys)

Gene: PLEC (plectin; minus strand). Cytogenetic location: 8q24.3.
Variant type: single nucleotide variant.
Coding change: c.8284G>A on transcript NM_201384.3 (MANE Select); coding-DNA position 8284, G replaced by A.
Protein change: p.Glu2762Lys; replaces glutamic acid 2762 with lysine.
Molecular consequence: missense variant.
Genome position (GRCh38, 1-based): chr8:143,921,537, C>T on the plus strand (G>A on the coding strand, the complement: PLEC is on the minus strand). VCF-style: chr8-143921537-C-T. GRCh37 (hg19) VCF-style: chr8-144995705-C-T.
Other names: c.8365G>A, p.Glu2789Lys (NM_000445.5); c.8242G>A, p.Glu2748Lys (NM_201378.4); c.8218G>A, p.Glu2740Lys (NM_201379.3); c.8695G>A, p.Glu2899Lys (NM_201380.4); c.8188G>A, p.Glu2730Lys (NM_201381.3); c.8284G>A, p.Glu2762Lys (NM_201382.4); c.8296G>A, p.Glu2766Lys (NM_201383.3); short protein forms E2740K, E2766K, E2789K, E2730K, E2748K, E2899K, E2762K.
Identifiers: ClinVar variation 940763 (VCV000940763.7), dbSNP rs1554686136, ClinGen allele CA372516612.

ClinVar aggregate classification (germline): Uncertain significance (1 of 4 stars; one submission).

Conditions:
Epidermolysis bullosa simplex 5B, with muscular dystrophy (EBS5B). Also called: EPIDERMOLYSIS BULLOSA SIMPLEX AND LIMB-GIRDLE MUSCULAR DYSTROPHY; Epidermolysis bullosa simplex with muscular dystrophy. Identifiers: Orphanet 257, MedGen C2931072, MONDO:0009181, OMIM 226670.
Epidermolysis bullosa simplex, Ogna type (EBS5A). Also called: Pidermolysis bullosa simplex 5A, Ogna type; EPIDERMOLYSIS BULLOSA SIMPLEX 5A, OGNA TYPE. Identifiers: Orphanet 79401, MedGen C0432317, MONDO:0007555, OMIM 131950.
Epidermolysis bullosa simplex 5C, with pyloric atresia (EBS5C). Also called: Epidermolysis bullosa simplex with pyloric atresia; PLEC-Related Epidermolysis Bullosa with Pyloric Atresia; PLEC1-Related Epidermolysis Bullosa with Pyloric Atresia. Identifiers: Orphanet 158684, MedGen C2677349, MONDO:0012807, OMIM 612138.
Epidermolysis bullosa simplex with nail dystrophy (EBS5D). Identifiers: MedGen C4225309, MONDO:0014661, OMIM 616487.
Autosomal recessive limb-girdle muscular dystrophy type 2Q (LGMDR17). Also called: MUSCULAR DYSTROPHY, LIMB-GIRDLE, AUTOSOMAL RECESSIVE 17. Identifiers: Orphanet 254361, MedGen C3150989, MONDO:0013390, OMIM 613723.

Allele frequency attached by ClinVar (database versions not stated): gnomAD exomes 0.00001.
gnomAD v4.1: 12 of 1,612,704 alleles (0.00074%); highest among the groups gnomAD compares: Non-Finnish European, 0.00085%; no homozygotes.

Submission:

Labcorp Genetics (formerly Invitae), Labcorp
Classification: Uncertain significance for Autosomal recessive limb-girdle muscular dystrophy type 2Q; Epidermolysis bullosa simplex, Ogna type; Epidermolysis bullosa simplex with nail dystrophy; Epidermolysis bullosa simplex 5C, with pyloric atresia; Epidermolysis bullosa simplex 5B, with muscular dystrophy. Last evaluated: 2023-08-30. Review status: criteria provided, single submitter. Criteria: Invitae Variant Classification Sherloc (09022015). Collection method: clinical testing. Allele origin: germline.
Comment: This variant has not been reported in the literature in individuals affected with PLEC-related conditions. This sequence change replaces glutamic acid, which is acidic and polar, with lysine, which is basic and polar, at codon 2789 of the PLEC protein (p.Glu2789Lys). This variant is present in population databases (no rsID available, gnomAD 0.002%). ClinVar contains an entry for this variant (Variation ID: 940763). An algorithm developed to predict the effect of missense changes on protein structure and function (PolyPhen-2) suggests that this variant is likely to be disruptive. In summary, the available evidence is currently insufficient to determine the role of this variant in disease. Therefore, it has been classified as a Variant of Uncertain Significance.